The following is an entry in ClinVar:

ClinVar aggregate classification (germline): Uncertain significance. Review status: criteria provided, multiple submitters, no conflicts (2 of 4 stars). 2 submissions from 2 submitters: Uncertain significance (2). Last evaluated 2025-08-22.

Conditions:
Inborn genetic diseases. Identifiers: MedGen C0950123, MeSH D030342.
Fanconi anemia (FA). Also called: Fanconi's anemia. Identifiers: Orphanet 84, MedGen C0015625, MeSH D005199, MONDO:0019391.

Submissions (2):

Ambry Genetics
Classification: Uncertain significance for Inborn genetic diseases. Last evaluated: 2025-08-22. Review status: criteria provided, single submitter. Criteria: Ambry Variant Classification Scheme 2023. Collection method: clinical testing. Allele origin: germline.
Comment: The p.K856T variant (also known as c.2567A>C), located in coding exon 14 of the FANCM gene, results from an A to C substitution at nucleotide position 2567. The lysine at codon 856 is replaced by threonine, an amino acid with similar properties. This amino acid position is conserved. In addition, this alteration is predicted to be tolerated by in silico analysis. Based on the available evidence, the clinical significance of this variant remains unclear.

Labcorp Genetics (formerly Invitae), Labcorp
Classification: Uncertain significance for Fanconi anemia. Last evaluated: 2022-12-28. Review status: criteria provided, single submitter. Criteria: Invitae Variant Classification Sherloc (09022015). Collection method: clinical testing. Allele origin: germline.
Comment: Algorithms developed to predict the effect of missense changes on protein structure and function output the following: SIFT: "Deleterious"; PolyPhen-2: "Benign"; Align-GVGD: "Class C0". The threonine amino acid residue is found in multiple mammalian species, which suggests that this missense change does not adversely affect protein function. In summary, the available evidence is currently insufficient to determine the role of this variant in disease. Therefore, it has been classified as a Variant of Uncertain Significance. ClinVar contains an entry for this variant (Variation ID: 1404934). This variant has not been reported in the literature in individuals affected with FANCM-related conditions. This variant is not present in population databases (gnomAD no frequency). This sequence change replaces lysine, which is basic and polar, with threonine, which is neutral and polar, at codon 856 of the FANCM protein (p.Lys856Thr).

NM_020937.4(FANCM):c.2567A>C (p.Lys856Thr)

Gene: FANCM (FA complementation group M; plus strand). Cytogenetic location: 14q21.2.
Variant type: single nucleotide variant.
Coding change: c.2567A>C on transcript NM_020937.4 (MANE Select); coding-DNA position 2567, A replaced by C.
Protein change: p.Lys856Thr; replaces lysine 856 with threonine.
Molecular consequence: missense variant.
Genome position (GRCh38, 1-based): chr14:45,175,321, A>C. VCF-style: chr14-45175321-A-C. GRCh37 (hg19) VCF-style: chr14-45644524-A-C.
Other names: c.2489A>C, p.Lys830Thr (NM_001308133.2); c.2567A>C (NM_020937.2); short protein forms K830T, K856T.
Identifiers: ClinVar variation 1404934 (VCV001404934.7), dbSNP rs565751937, ClinGen allele CA259627763.
Genomic context (GRCh38, chr14:45,175,321, plus strand): 5'-GTGCTGAAATTGTTAAACAAACTCATATCAAACCTACTAAAATTGTTTCTTTAAAGAAAA[A>C]AGTGTCTAAAGAAATAAAAAAAGATCAGCTTAAAAAAGAAAATAATCACGGTATTATAGA-3'
Protein context (NP_065988.1, residues 846-866): KPTKIVSLKK[Lys856Thr]VSKEIKKDQL